The following is an entry in ClinVar:

ClinVar aggregate classification (germline): Uncertain significance. Review status: criteria provided, multiple submitters, no conflicts (2 of 4 stars). 12 submissions from 10 submitters: Uncertain significance (9). 3 of the submissions do not count toward it. Last evaluated 2025-12-09.

Conditions:
TNNT2-related disorder. Also called: TNNT2-related condition.
Cardiovascular phenotype. Identifiers: MedGen CN230736.
Cardiomyopathy, familial restrictive, 3. Identifiers: Orphanet 75249, MedGen C2676271, MONDO:0012900, OMIM 612422.
Dilated cardiomyopathy 1D. Identifiers: Orphanet 154, Orphanet 54260, MedGen C1832243, MONDO:0011095, OMIM 601494.
Hypertrophic cardiomyopathy 2. Also called: TNNT2-Related Familial Hypertrophic Cardiomyopathy. Identifiers: MedGen C1861864, MONDO:0007266, OMIM 115195.
Cardiomyopathy (CMYO). Also called: Cardiomyopathies. Identifiers: Orphanet 167848, MedGen C0878544, MONDO:0004994, HP:0001638. Inheritance: Various modes of inheritance.

Allele frequency attached by ClinVar (database versions not stated): gnomAD exomes below 0.00001 and 0.00001; TOPMed below 0.00001; gnomAD 0.00001; ExAC 0.00002; ESP Exome Variant Server 0.00015.

Submissions (12):

Labcorp Genetics (formerly Invitae), Labcorp
Classification: Uncertain significance for Cardiomyopathy, familial restrictive, 3; Hypertrophic cardiomyopathy 2; Dilated cardiomyopathy 1D. Last evaluated: 2025-12-09. Review status: criteria provided, single submitter. Criteria: Invitae Variant Classification Sherloc (09022015). Collection method: clinical testing. Allele origin: germline.
Comment: This sequence change replaces glutamic acid, which is acidic and polar, with lysine, which is basic and polar, at codon 195 of the TNNT2 protein (p.Glu195Lys). This variant is present in population databases (rs150008205, gnomAD 0.002%). This missense change has been observed in individual(s) with hypertrophic cardiomyopathy (PMID: 24111713, 33495596). ClinVar contains an entry for this variant (Variation ID: 181624). Invitae Evidence Modeling of protein sequence and biophysical properties (such as structural, functional, and spatial information, amino acid conservation, physicochemical variation, residue mobility, and thermodynamic stability) indicates that this missense variant is not expected to disrupt TNNT2 protein function with a negative predictive value of 80%. In summary, the available evidence is currently insufficient to determine the role of this variant in disease. Therefore, it has been classified as a Variant of Uncertain Significance.

All of Us Research Program, National Institutes of Health
Classification: Uncertain significance for Cardiomyopathy. Last evaluated: 2024-08-30. Review status: criteria provided, single submitter. Criteria: ACMG Guidelines, 2015. Collection method: clinical testing. Allele origin: germline. Inheritance: Autosomal dominant inheritance. Observed: 5 variant alleles, 5 heterozygotes.
Comment: This missense variant replaces glutamic acid with lysine at codon 195 of the TNNT2 protein. Computational prediction tools indicate that this variant has a deleterious impact on protein structure and function. To our knowledge, functional studies have not been reported for this variant. This variant has been reported in at least three individuals affected with hypertrophic cardiomyopathy (PMID: 24111713, 28971120, 33495596; Michaels, 2011). Onee of these individuals also carried a pathogenic truncation variant in the MYBPC3 gene (Michaels, 2011). This variant has been identified in 2/251484 chromosomes in the general population by the Genome Aggregation Database (gnomAD). The available evidence is insufficient to determine the role of this variant in disease conclusively. Therefore, this variant is classified as a Variant of Uncertain Significance.

This study involves interpretation of variants in research participants for the purpose of population health screening. Participant phenotype was not available at the time of variant classification. Additional details can be found in publication PMID: 35346344, PMCID: PMC8962531

Color Diagnostics, LLC DBA Color Health
Classification: Uncertain significance for Cardiomyopathy. Last evaluated: 2023-11-20. Review status: criteria provided, single submitter. Criteria: ACMG Guidelines, 2015. Collection method: clinical testing. Allele origin: germline.
Comment: This missense variant replaces glutamic acid with lysine at codon 195 of the TNNT2 protein. Computational prediction tools indicate that this variant has a deleterious impact on protein structure and function. To our knowledge, functional studies have not been reported for this variant. This variant has been reported in at least three individuals affected with hypertrophic cardiomyopathy (PMID: 24111713, 28971120, 33495596; Michaels, 2011). Onee of these individuals also carried a pathogenic truncation variant in the MYBPC3 gene (Michaels, 2011). This variant has been identified in 2/251484 chromosomes in the general population by the Genome Aggregation Database (gnomAD). The available evidence is insufficient to determine the role of this variant in disease conclusively. Therefore, this variant is classified as a Variant of Uncertain Significance.

Genome-Nilou Lab
Classification: Uncertain significance for Dilated cardiomyopathy 1D. Last evaluated: 2023-04-11. Review status: criteria provided, single submitter. Criteria: ACMG Guidelines, 2015. Collection method: clinical testing. Allele origin: germline. Affected: no.

Genome-Nilou Lab
Classification: Uncertain significance for Cardiomyopathy, familial restrictive, 3. Last evaluated: 2023-04-11. Review status: criteria provided, single submitter. Criteria: ACMG Guidelines, 2015. Collection method: clinical testing. Allele origin: germline. Affected: no.

Genome-Nilou Lab
Classification: Uncertain significance for Hypertrophic cardiomyopathy 2. Last evaluated: 2023-04-11. Review status: criteria provided, single submitter. Criteria: ACMG Guidelines, 2015. Collection method: clinical testing. Allele origin: germline. Affected: no.

Ambry Genetics
Classification: Uncertain significance for Cardiovascular phenotype. Last evaluated: 2022-11-29. Review status: criteria provided, single submitter. Criteria: Ambry Variant Classification Scheme 2023. Collection method: clinical testing. Allele origin: germline.
Comment: The p.E195K variant (also known as c.583G>A), located in coding exon 12 of the TNNT2 gene, results from a G to A substitution at nucleotide position 583. The glutamic acid at codon 195 is replaced by lysine, an amino acid with similar properties.This variant was identified in an individual with hypertrophic cardiomyopathy; however, clinical information was limited (Berge KE et al. Clin. Genet., 2014 Oct;86:355-60; Dejgaard LA et al. Data Brief, 2017 Dec;15:30-39). This amino acid position is highly conserved in available vertebrate species. In addition, the in silico prediction for this alteration is inconclusive. Based on available evidence to date, the clinical significance of this alteration remains unclear.

Fulgent Genetics
Classification: Uncertain significance for Hypertrophic cardiomyopathy 2; Dilated cardiomyopathy 1D; Cardiomyopathy, familial restrictive, 3. Last evaluated: 2021-10-13. Review status: criteria provided, single submitter. Criteria: ACMG Guidelines, 2015. Collection method: clinical testing. Allele origin: unknown.

Blueprint Genetics
Classification: Uncertain significance. Last evaluated: 2021-01-15. Review status: criteria provided, single submitter. Criteria: ACMG Guidelines, 2015. Collection method: clinical testing. Allele origin: germline.

PreventionGenetics, part of Exact Sciences
Classification: Uncertain significance for TNNT2-related condition. Last evaluated: 2024-04-23. Review status: no assertion criteria provided. Collection method: clinical testing. Allele origin: germline. Not counted in ClinVar's aggregate classification.
Comment: The TNNT2 c.583G>A variant is predicted to result in the amino acid substitution p.Glu195Lys. This variant was reported in individuals with hypertrophic cardiomyopathy; however, no additional studies were performed to help assess the pathogenicity of this variant (Cripe et al. 2013. doi 10.1016/j.nmd.2013.06.422; Berge et al. 2014. PubMed ID: 24111713; Dejgaard et al. 2017. PubMed ID: 28971120; Table S2, Tadros et al. 2021. PubMed ID: 33495596). This variant is reported in 0.0018% of alleles in individuals of European (Non-Finnish) descent in gnomAD and is interpreted as uncertain significance in ClinVar. At this time, the clinical significance of this variant is uncertain due to the absence of conclusive functional and genetic evidence.

Clinical Genetics, Academic Medical Center
Classification: Uncertain significance. Review status: no assertion criteria provided. Collection method: clinical testing. Allele origin: germline. Affected: yes. Study: VKGL Data-share Consensus. Not counted in ClinVar's aggregate classification.

Joint Genome Diagnostic Labs from Nijmegen and Maastricht, Radboudumc and MUMC+
Classification: Uncertain significance. Review status: no assertion criteria provided. Collection method: clinical testing. Allele origin: germline. Affected: yes. Study: VKGL Data-share Consensus. Not counted in ClinVar's aggregate classification.

Literature cited by the submitters: PubMed 24111713 (cited by 4 submitters); PubMed 33495596 (cited by 3 submitters); PubMed 28971120 (cited by 3 submitters).

NM_001276345.2(TNNT2):c.613G>A (p.Glu205Lys)

Gene: TNNT2 (troponin T2, cardiac type; minus strand). Cytogenetic location: 1q32.1.
Variant type: single nucleotide variant.
Coding change: c.613G>A on transcript NM_001276345.2 (MANE Select); coding-DNA position 613, G replaced by A.
Protein change: p.Glu205Lys; replaces glutamic acid 205 with lysine.
Molecular consequence: missense variant.
Genome position (GRCh38, 1-based): chr1:201,362,019, C>T on the plus strand (G>A on the coding strand, the complement: TNNT2 is on the minus strand). VCF-style: chr1-201362019-C-T. GRCh37 (hg19) VCF-style: chr1-201331147-C-T.
Other names: c.604G>A, p.Glu202Lys (NM_000364.4); c.583G>A, p.Glu195Lys (NM_001001430.3, NM_001276347.2); c.574G>A, p.Glu192Lys (NM_001001431.3); c.565G>A, p.Glu189Lys (NM_001001432.3); c.484G>A, p.Glu162Lys (NM_001276346.2); short protein forms E195K, E202K, E162K, E192K, E189K, E205K.
Identifiers: ClinVar variation 181624 (VCV000181624.27), dbSNP rs150008205, ClinGen allele CA004822.